The following is an entry in ClinVar:

ClinVar aggregate classification (germline): Uncertain significance (1 of 4 stars; one submission).

Allele frequency attached by ClinVar (database versions not stated): gnomAD 0.00002; TOPMed 0.00002.
gnomAD v4.1: 3 of 1,613,630 alleles (0.00019%); highest among the groups gnomAD compares: Non-Finnish European, 0.00025%; no homozygotes.

Submission:

Labcorp Genetics (formerly Invitae), Labcorp
Classification: Uncertain significance. Last evaluated: 2024-07-16. Review status: criteria provided, single submitter. Criteria: Invitae Variant Classification Sherloc (09022015). Collection method: clinical testing. Allele origin: germline.
Comment: This sequence change replaces serine, which is neutral and polar, with alanine, which is neutral and non-polar, at codon 242 of the LZTS1 protein (p.Ser242Ala). This variant is not present in population databases (gnomAD no frequency). This variant has not been reported in the literature in individuals affected with LZTS1-related conditions. Advanced modeling of protein sequence and biophysical properties (such as structural, functional, and spatial information, amino acid conservation, physicochemical variation, residue mobility, and thermodynamic stability) performed at Invitae indicates that this missense variant is not expected to disrupt LZTS1 protein function with a negative predictive value of 80%. In summary, the available evidence is currently insufficient to determine the role of this variant in disease. Therefore, it has been classified as a Variant of Uncertain Significance.

NM_021020.5(LZTS1):c.724T>G (p.Ser242Ala)

Gene: LZTS1 (leucine zipper tumor suppressor 1; minus strand). Cytogenetic location: 8p21.3.
Variant type: single nucleotide variant.
Coding change: c.724T>G on transcript NM_021020.5 (MANE Select); coding-DNA position 724, T replaced by G.
Protein change: p.Ser242Ala; replaces serine 242 with alanine.
Molecular consequence: missense variant.
Genome position (GRCh38, 1-based): chr8:20,253,207, A>C on the plus strand (T>G on the coding strand, the complement: LZTS1 is on the minus strand). VCF-style: chr8-20253207-A-C. GRCh37 (hg19) VCF-style: chr8-20110718-A-C.
Other names: c.724T>G, p.Ser242Ala (NM_001362884.2); short protein forms S242A.
Identifiers: ClinVar variation 2788274 (VCV002788274.3), dbSNP rs953898834, ClinGen allele CA173399439.